The following is an entry in ClinVar:

ClinVar aggregate classification (germline): Conflicting classifications of pathogenicity. Review status: criteria provided, conflicting classifications (1 of 4 stars). 3 submissions from 3 submitters: Uncertain significance (2); Likely benign (1). Last evaluated 2025-09-25.

Conditions:
TECTA-related disorder. Also called: TECTA-related condition.

Allele frequency attached by ClinVar (database versions not stated): ExAC 0.00004; gnomAD exomes 0.00005; ESP Exome Variant Server 0.00008; gnomAD 0.00009; TOPMed 0.00009.
gnomAD v4.1: 43 of 1,613,688 alleles (0.0027%); highest among the groups gnomAD compares: Middle Eastern, 0.016%; no homozygotes.

Submissions (3):

GeneDx
Classification: Uncertain significance. Last evaluated: 2025-09-25. Review status: criteria provided, single submitter. Criteria: GeneDx Variant Classification Process June 2021. Collection method: clinical testing. Allele origin: germline. Affected: yes.
Comment: In silico analysis suggests that this missense variant does not alter protein structure/function; Has not been previously published as pathogenic or benign to our knowledge; This variant is associated with the following publications: (PMID: 21520338, 9590290, 31554319)

PreventionGenetics, part of Exact Sciences
Classification: Uncertain significance for TECTA-related condition. Last evaluated: 2025-08-12. Review status: criteria provided, single submitter. Criteria: ACMG Guidelines, 2015. Collection method: clinical testing. Allele origin: germline.
Comment: The TECTA c.3016G>A variant is predicted to result in the amino acid substitution p.Gly1006Ser. To our knowledge, this variant has not been reported in the literature. This variant is reported in 0.016% of alleles in individuals of African descent in gnomAD. At this time, the clinical significance of this variant is uncertain due to the absence of conclusive functional and genetic evidence.

Labcorp Genetics (formerly Invitae), Labcorp
Classification: Likely benign. Last evaluated: 2023-07-17. Review status: criteria provided, single submitter. Criteria: Invitae Variant Classification Sherloc (09022015). Collection method: clinical testing. Allele origin: germline.

NM_005422.4(TECTA):c.3016G>A (p.Gly1006Ser)

Genes: TBCEL-TECTA (TBCEL-TECTA readthrough; plus strand), TECTA (tectorin alpha; plus strand). Cytogenetic location: 11q23.3.
Variant type: single nucleotide variant.
Coding change: c.3016G>A on transcript NM_005422.4 (MANE Select); coding-DNA position 3016, G replaced by A.
Protein change: p.Gly1006Ser; replaces glycine 1006 with serine.
Molecular consequence: missense variant.
Genome position (GRCh38, 1-based): chr11:121,137,495, G>A. VCF-style: chr11-121137495-G-A. GRCh37 (hg19) VCF-style: chr11-121008204-G-A.
Other names: c.3973G>A, p.Gly1325Ser (NM_001378761.1); short protein forms G1325S, G1006S.
Identifiers: ClinVar variation 1466252 (VCV001466252.10), dbSNP rs375052932, ClinGen allele CA6327139.